The following is an entry in ClinVar:

NM_001267550.2(TTN):c.16621+8T>C

Gene: TTN (titin; minus strand). Cytogenetic location: 2q31.2.
Variant type: single nucleotide variant.
Coding change: c.16621+8T>C on transcript NM_001267550.2 (MANE Select); 8 bases into the intron after coding-DNA position 16621, T replaced by C.
Molecular consequence: intron variant.
Genome position (GRCh38, 1-based): chr2:178,732,432, A>G on the plus strand (T>C on the coding strand, the complement: TTN is on the minus strand). VCF-style: chr2-178732432-A-G. GRCh37 (hg19) VCF-style: chr2-179597159-A-G.
Other names: c.15670+8T>C (NM_001256850.1); c.13282+5650T>C (NM_003319.4); c.13858+5650T>C (NM_133437.4); c.13657+5650T>C (NM_133432.3); c.12889+8T>C (NM_133378.4).
Identifiers: ClinVar variation 391519 (VCV000391519.9), dbSNP rs1057524119, ClinGen allele CA16604224.
Genomic context (GRCh38, chr2:178,732,432, plus strand): 5'-GAAATGTGAGAAAGAGGAAAGAATTTATAACAAGGTTAGCACAAAGATGTCAAGAAAACA[A>G]TGCAAACCTTTTACAAACAAGTTTGCACTGCATTCCACCCCTCCAGCGACATTGCTGACT-3'

ClinVar aggregate classification (germline): Likely benign. Review status: criteria provided, multiple submitters, no conflicts (2 of 4 stars). 2 submissions from 2 submitters: Likely benign (2). Last evaluated 2022-08-23.

Conditions:
Autosomal recessive limb-girdle muscular dystrophy type 2J (LGMDR10). Also called: Limb-girdle muscular dystrophy, type 2J; MUSCULAR DYSTROPHY, LIMB-GIRDLE, AUTOSOMAL RECESSIVE 10. Identifiers: Orphanet 140922, MedGen C1837342, MONDO:0012127, OMIM 608807.
Dilated cardiomyopathy 1G (CMD1G). Identifiers: Orphanet 154, MedGen C1858763, MONDO:0011400, OMIM 604145.

Submissions (2):

Labcorp Genetics (formerly Invitae), Labcorp
Classification: Likely benign for Dilated cardiomyopathy 1G; Autosomal recessive limb-girdle muscular dystrophy type 2J. Last evaluated: 2022-08-23. Review status: criteria provided, single submitter. Criteria: Invitae Variant Classification Sherloc (09022015). Collection method: clinical testing. Allele origin: germline.

GeneDx
Classification: Likely benign. Last evaluated: 2016-12-07. Review status: criteria provided, single submitter. Criteria: GeneDx Variant Classification (06012015). Collection method: clinical testing. Allele origin: germline. Affected: yes.
Comment: This variant is considered likely benign or benign based on one or more of the following criteria: it is a conservative change, it occurs at a poorly conserved position in the protein, it is predicted to be benign by multiple in silico algorithms, and/or has population frequency not consistent with disease.